The following is an entry in ClinVar:

NM_002185.5(IL7R):c.562del (p.Lys187_Leu188insTer)

Gene: IL7R (interleukin 7 receptor; plus strand). Cytogenetic location: 5p13.2.
Variant type: Deletion.
Coding change: c.562del on transcript NM_002185.5 (MANE Select); coding-DNA position 562, one base deleted (C; older notation c.562delC).
Protein change: p.Lys187_Leu188insTer.
Molecular consequence: nonsense. On other transcripts: frameshift variant (1).
Genome position (GRCh38, 1-based): chr5:35,873,504, C deleted. VCF-style (leftmost placement, unchanged base first): chr5-35873503-GC-G. GRCh37 (hg19) VCF-style: chr5-35873605-GC-G.
Other names: c.562delC, p.Leu188Terfs (NM_001410734.1).
Identifiers: ClinVar variation 2203628 (VCV002203628.5), dbSNP rs1387689607, ClinGen allele CA559294596.

ClinVar aggregate classification (germline): Pathogenic (1 of 4 stars; one submission).

Conditions:
Immunodeficiency 104. Also called: IMMUNODEFICIENCY 104, SEVERE COMBINED; Severe combined immunodeficiency, autosomal recessive, T cell-negative, B cell-positive, NK cell-positive; SCID, AUTOSOMAL RECESSIVE, T CELL-NEGATIVE, B CELL-POSITIVE, NK CELL-POSITIVE; Severe Combined Immune Deficiency, Autosomal Recessive, TCell -Negative, B Cell-Positive, NK Cell-Positive, IL7R-Related. Identifiers: MedGen C5676890, MONDO:0012163, OMIM 608971.

Allele frequency attached by ClinVar (database versions not stated): gnomAD exomes below 0.00001; TOPMed 0.00001.

Submission:

Labcorp Genetics (formerly Invitae), Labcorp
Classification: Pathogenic for Immunodeficiency 104. Last evaluated: 2026-01-09. Review status: criteria provided, single submitter. Criteria: Invitae Variant Classification Sherloc (09022015). Collection method: clinical testing. Allele origin: germline.
Comment: This sequence change creates a premature translational stop signal (p.Leu188*) in the IL7R gene. It is expected to result in an absent or disrupted protein product. Loss-of-function variants in IL7R are known to be pathogenic (PMID: 21664875, 26123418). This variant is present in population databases (no rsID available, gnomAD 0.006%). This premature translational stop signal has been observed in individual(s) with severe combined immunodeficiency (PMID: 29551298). ClinVar contains an entry for this variant (Variation ID: 2203628). For these reasons, this variant has been classified as Pathogenic.

Literature cited by the submitters: PubMed 21664875; PubMed 26123418; PubMed 29551298.